The following is an entry in ClinVar:

NM_016203.4(PRKAG2):c.1444G>T (p.Ala482Ser)

Gene: PRKAG2 (protein kinase AMP-activated non-catalytic subunit gamma 2; minus strand). Cytogenetic location: 7q36.1.
Variant type: single nucleotide variant.
Coding change: c.1444G>T on transcript NM_016203.4 (MANE Select); coding-DNA position 1444, G replaced by T.
Protein change: p.Ala482Ser; replaces alanine 482 with serine.
Molecular consequence: missense variant.
Genome position (GRCh38, 1-based): chr7:151,564,218, C>A on the plus strand (G>T on the coding strand, the complement: PRKAG2 is on the minus strand). VCF-style: chr7-151564218-C-A. GRCh37 (hg19) VCF-style: chr7-151261304-C-A.
Other names: c.1312G>T, p.Ala438Ser (NM_001040633.2, NM_001407024.1); c.1069G>T, p.Ala357Ser (NM_001304527.2, NM_001407029.1); c.721G>T, p.Ala241Ser (NM_001304531.2, NM_001407034.1, NM_001407035.1 and 1 more transcripts); c.1072G>T, p.Ala358Ser (NM_001363698.2, NM_001407028.1); c.1444G>T, p.Ala482Ser (NM_001407021.1); c.1441G>T, p.Ala481Ser (NM_001407022.1, NM_001407023.1); c.1309G>T, p.Ala437Ser (NM_001407026.1, NM_001407027.1); c.1156G>T, p.Ala386Ser (NM_001407030.1); and 6 more; short protein forms A240S, A241S, A257S, A261S, A357S, A358S, A374S, A376S.
Identifiers: ClinVar variation 4802500 (VCV004802500.1).

ClinVar aggregate classification (germline): Uncertain significance (1 of 4 stars; one submission).

Conditions:
Lethal congenital glycogen storage disease of heart. Also called: GLYCOGEN STORAGE DISEASE OF HEART; PHOSPHORYLASE KINASE DEFICIENCY OF HEART. Identifiers: Orphanet 439854, MedGen C1849813, MONDO:0009867, OMIM 261740.

Submission:

Labcorp Genetics (formerly Invitae), Labcorp
Classification: Uncertain significance for Lethal congenital glycogen storage disease of heart. Last evaluated: 2025-12-17. Review status: criteria provided, single submitter. Criteria: Invitae Variant Classification Sherloc (09022015). Collection method: clinical testing. Allele origin: germline.
Comment: This sequence change replaces alanine, which is neutral and non-polar, with serine, which is neutral and polar, at codon 482 of the PRKAG2 protein (p.Ala482Ser). This variant is not present in population databases (gnomAD no frequency). This variant has not been reported in the literature in individuals affected with PRKAG2-related conditions. Invitae Evidence Modeling of protein sequence and biophysical properties (such as structural, functional, and spatial information, amino acid conservation, physicochemical variation, residue mobility, and thermodynamic stability) has been performed for this missense variant. However, the output from this modeling did not meet the statistical confidence thresholds required to predict the impact of this variant on PRKAG2 protein function. In summary, the available evidence is currently insufficient to determine the role of this variant in disease. Therefore, it has been classified as a Variant of Uncertain Significance.